The following is an entry in ClinVar:

ClinVar aggregate classification (germline): Uncertain significance (1 of 4 stars; one submission).

Conditions:
Cardiovascular phenotype. Identifiers: MedGen CN230736.

gnomAD v4.1: 2 of 1,606,044 alleles (0.00012%); highest among the groups gnomAD compares: South Asian, 0.0011%; no homozygotes.

Submission:

Ambry Genetics
Classification: Uncertain significance for Cardiovascular phenotype. Last evaluated: 2021-12-15. Review status: criteria provided, single submitter. Criteria: Ambry Variant Classification Scheme 2023. Collection method: clinical testing. Allele origin: germline.
Comment: The p.G17V variant (also known as c.50G>T), located in coding exon 1 of the JPH2 gene, results from a G to T substitution at nucleotide position 50. The glycine at codon 17 is replaced by valine, an amino acid with dissimilar properties. This variant was detected in a cardiomyopathy genetic testing cohort; however, clinical details were limited, and additional cardiac variants were detected (van Lint FHM et al. Neth Heart J, 2019 Jun;27:304-309). This amino acid position is highly conserved in available vertebrate species. In addition, the in silico prediction for this alteration is inconclusive. Since supporting evidence is limited at this time, the clinical significance of this alteration remains unclear.

Literature cited by the submitters: PubMed 30847666.

NM_020433.5(JPH2):c.50G>T (p.Gly17Val)

Gene: JPH2 (junctophilin 2; minus strand). Cytogenetic location: 20q13.12.
Variant type: single nucleotide variant.
Coding change: c.50G>T on transcript NM_020433.5 (MANE Select); coding-DNA position 50, G replaced by T.
Protein change: p.Gly17Val; replaces glycine 17 with valine.
Molecular consequence: missense variant.
Genome position (GRCh38, 1-based): chr20:44,186,656, C>A on the plus strand (G>T on the coding strand, the complement: JPH2 is on the minus strand). VCF-style: chr20-44186656-C-A. GRCh37 (hg19) VCF-style: chr20-42815296-C-A.
Other names: c.50G>T, p.Gly17Val (NM_175913.4); short protein forms G17V.
Identifiers: ClinVar variation 1745346 (VCV001745346.2), dbSNP rs1250267129, ClinGen allele CA409095642.